The following is an entry in ClinVar:

NM_001005373.4(LRSAM1):c.2033G>A (p.Cys678Tyr)

Gene: LRSAM1 (leucine rich repeat and sterile alpha motif containing 1; plus strand). Cytogenetic location: 9q34.11.
Variant type: single nucleotide variant.
Coding change: c.2033G>A on transcript NM_001005373.4 (MANE Select); coding-DNA position 2033, G replaced by A.
Protein change: p.Cys678Tyr; replaces cysteine 678 with tyrosine.
Molecular consequence: missense variant. On other transcripts: non-coding transcript variant (2).
Genome position (GRCh38, 1-based): chr9:127,501,130, G>A. VCF-style: chr9-127501130-G-A. GRCh37 (hg19) VCF-style: chr9-130263409-G-A.
Other names: p.(Cys678Tyr); c.2033G>A, p.Cys678Tyr (NM_001005374.4, NM_001384142.1, NM_138361.5); c.1952G>A, p.Cys651Tyr (NM_001190723.3); c.1934G>A, p.Cys645Tyr (NM_001384143.1); c.1244G>A, p.Cys415Tyr (NM_001384144.1); short protein forms C415Y, C645Y, C651Y, C678Y.
Identifiers: ClinVar variation 1803811 (VCV001803811.7), dbSNP rs2132128518, ClinGen allele CA374938348.
Genomic context (GRCh38, chr9:127,501,130, plus strand): 5'-CTGTGAGGCCATCCGCTCCCCCTGCAGAGCTGGAGGTGCAGGCCTCAGAGTGTGTCGTGT[G>A]CCTGGAACGGGAGGTAAGTCCGGGGCCCTCCCCACCCGCCTGCCCTGCCTGTGGCCACCC-3'
Protein context (NP_001005373.1, residues 668-688): LEVQASECVV[Cys678Tyr]LEREAQMIFL

ClinVar aggregate classification (germline): Conflicting classifications of pathogenicity. Review status: criteria provided, conflicting classifications (1 of 4 stars). 2 submissions from 2 submitters: Likely pathogenic (1); Uncertain significance (1). Last evaluated 2023-10-18.

Conditions:
Charcot-Marie-Tooth disease axonal type 2P. Also called: CHARCOT-MARIE-TOOTH DISEASE, AXONAL, TYPE 2G; CMT 2G; Charcot-Marie-Tooth Neuropathy Type 2G; CHARCOT-MARIE-TOOTH NEUROPATHY, TYPE 2P. Identifiers: Orphanet 300319, Orphanet 99941, MedGen C3280797, MONDO:0013753, OMIM 614436.

Submissions (2):

Labcorp Genetics (formerly Invitae), Labcorp
Classification: Uncertain significance for Charcot-Marie-Tooth disease axonal type 2P. Last evaluated: 2023-10-18. Review status: criteria provided, single submitter. Criteria: Invitae Variant Classification Sherloc (09022015). Collection method: clinical testing. Allele origin: germline.
Comment: This sequence change replaces cysteine, which is neutral and slightly polar, with tyrosine, which is neutral and polar, at codon 678 of the LRSAM1 protein (p.Cys678Tyr). This variant is not present in population databases (gnomAD no frequency). This variant has not been reported in the literature in individuals affected with LRSAM1-related conditions. ClinVar contains an entry for this variant (Variation ID: 1803811). Advanced modeling of protein sequence and biophysical properties (such as structural, functional, and spatial information, amino acid conservation, physicochemical variation, residue mobility, and thermodynamic stability) performed at Invitae indicates that this missense variant is expected to disrupt LRSAM1 protein function. In summary, the available evidence is currently insufficient to determine the role of this variant in disease. Therefore, it has been classified as a Variant of Uncertain Significance.

Gemeinschaftspraxis fuer Humangenetik Dresden
Classification: Likely pathogenic for Charcot-Marie-Tooth disease axonal type 2P. Last evaluated: 2022-10-06. Review status: criteria provided, single submitter. Criteria: ACMG Guidelines, 2015. Collection method: clinical testing. Allele origin: germline. Inheritance: Autosomal dominant inheritance. Affected: yes. Observed: 1 heterozygote.
Comment: The variant p.(Cys678Tyr) is not listed in HGMD 2022.3, ClinVar, gnomAD or in the NCBI dbSNP. In LOVD the variant is listed as likely pathogenic. In HGMD on same aminoacid position is p.(Cys678Gly) listed as pathogenic for axonal neuropathy. Multiple lines of computational evidence support a deleterious effect (SIFT, MutationTaster2021, PolyPhen-2, AGVGD). The variant resides in the RING domain (amino acids 675-710) of the E3 ubiquitin protein ligase LRSAM. These domain contains highly conserved cysteines and histidine separated by a variable number of other amino acid residues. This cysteine-histidine lattice binds two central zinc ions that are essential for the working out of the three-dimensional structure of the RING domain. This is essential for the binding of the ubiquitin-conjugating enzymes. A mutation in the RING domain may lead to its destabilization and impaired E3 ubiquitin ligase activity (Palaima et al., 2021). In summary, the p.(Cys678Tyr) variant meets our criteria to be classified as likely pathogenic. ACMG: PM1, PM2, PM5, PP3 (ACMG Guidelines, 2015).

Literature cited by the submitters: PubMed 33568173 (cited by Gemeinschaftspraxis fuer Humangenetik Dresden).